The following is an entry in ClinVar:

ClinVar aggregate classification (germline): Pathogenic (1 of 4 stars; one submission).

Conditions:
Familial adenomatous polyposis 1 (FAP1). Also called: FAMILIAL ADENOMATOUS POLYPOSIS 1, ATTENUATED; POLYPOSIS, ADENOMATOUS INTESTINAL. Identifiers: MedGen C2713442, MONDO:0021056, OMIM 175100. Disease mechanism: loss of function.

Submission:

Myriad Genetics, Inc.
Classification: Pathogenic for Familial adenomatous polyposis 1. Last evaluated: 2023-05-10. Review status: criteria provided, single submitter. Criteria: Myriad Autosomal Dominant, Autosomal Recessive and X-Linked Classification Criteria (2023). Collection method: clinical testing. Allele origin: unknown.
Comment: This variant is considered pathogenic. This variant creates a frameshift predicted to result in premature protein truncation.

NM_000038.6(APC):c.4132dup (p.Gln1378fs)

Gene: APC (APC regulator of Wnt signaling pathway; plus strand). Cytogenetic location: 5q22.2.
Variant type: Duplication.
Coding change: c.4132dup on transcript NM_000038.6 (MANE Select); coding-DNA position 4132, one base duplicated (C; older notation c.4132dupC).
Protein change: p.Gln1378fs; shifts the reading frame from glutamine 1378.
Molecular consequence: frameshift variant. On other transcripts: non-coding transcript variant (2).
Genome position (GRCh38, 1-based): chr5:112,839,726, C duplicated. VCF-style (leftmost placement, unchanged base first): chr5-112839725-T-TC. GRCh37 (hg19) VCF-style: chr5-112175422-T-TC.
Other names: c.4132dup, p.Gln1378fs (NM_001127510.3, NM_001354895.2, NM_001407450.1); c.4078dup, p.Gln1360fs (NM_001127511.3); c.4186dup, p.Gln1396fs (NM_001354896.2, NM_001407447.1, NM_001407448.1 and 1 more transcripts); c.4162dup, p.Gln1388fs (NM_001354897.2); c.4057dup, p.Gln1353fs (NM_001354898.2); c.4048dup, p.Gln1350fs (NM_001354899.2); c.4009dup, p.Gln1337fs (NM_001354900.2); c.3955dup, p.Gln1319fs (NM_001354901.2, NM_001407453.1); and 11 more; short protein forms Q1095fs, Q1218fs, Q1249fs, Q1252fs, Q1277fs, Q1287fs, Q1295fs, Q1319fs.
Identifiers: ClinVar variation 2583768 (VCV002583768.1), dbSNP rs2533550933, ClinGen allele CA2582341557.